The following is an entry in ClinVar:

ClinVar aggregate classification (germline): Uncertain significance (1 of 4 stars; one submission).

Conditions:
Cardiovascular phenotype. Identifiers: MedGen CN230736.

Submission:

Ambry Genetics
Classification: Uncertain significance for Cardiovascular phenotype. Last evaluated: 2016-05-26. Review status: criteria provided, single submitter. Criteria: Ambry Variant Classification Scheme 2023. Collection method: clinical testing. Allele origin: germline.
Comment: The p.L23P variant (also known as c.68T>C), located in coding exon 1 of the CRYAB gene, results from a T to C substitution at nucleotide position 68. The leucine at codon 23 is replaced by proline, an amino acid with similar properties. This variant was not reported in population based cohorts in the following databases: Database of Single Nucleotide Polymorphisms (dbSNP), NHLBI Exome Sequencing Project (ESP), and 1000 Genomes Project. In the ESP, this variant was not observed in 6498 samples (12996 alleles) with coverage at this position. This amino acid position is not well conserved in available vertebrate species. In addition, this alteration is predicted to be deleterious by in silico analysis. Since supporting evidence is limited at this time, the clinical significance of this variant remains unclear.

NM_001289808.2(CRYAB):c.68T>C (p.Leu23Pro)

Gene: CRYAB (crystallin alpha B; minus strand). Cytogenetic location: 11q23.1.
Variant type: single nucleotide variant.
Coding change: c.68T>C on transcript NM_001289808.2 (MANE Select); coding-DNA position 68, T replaced by C.
Protein change: p.Leu23Pro; replaces leucine 23 with proline.
Molecular consequence: missense variant.
Genome position (GRCh38, 1-based): chr11:111,911,657, A>G on the plus strand (T>C on the coding strand, the complement: CRYAB is on the minus strand). VCF-style: chr11-111911657-A-G. GRCh37 (hg19) VCF-style: chr11-111782381-A-G.
Other names: c.68T>C, p.Leu23Pro (NM_001289807.1, NM_001368245.1, NM_001885.3); short protein forms L23P.
Identifiers: ClinVar variation 518521 (VCV000518521.5), dbSNP rs1555165587, ClinGen allele CA382600829.
Genomic context (GRCh38, chr11:111,911,657, plus strand): 5'-GAAGTAGACGTCGGGAAAAGATCAGACTCCAACAGGTGCTCTCCGAAGAACTGGTCAAAG[A>G]GGCGGCTGGGGGAGTGGAAAGGAAAGAAGGGGCGGCGGATCCAGGGGTGGTGGATGGCGA-3'
Protein context (NP_001276737.1, residues 13-33): PFFPFHSPSR[Leu23Pro]FDQFFGEHLL